The following is an entry in ClinVar:

ClinVar aggregate classification (germline): Likely pathogenic (1 of 4 stars; one submission).

Conditions:
Atypical hemolytic-uremic syndrome. Identifiers: Orphanet 2134, MedGen C2931788, MONDO:0016244.
Factor H deficiency (CFHD). Also called: COMPLEMENT FACTOR H DEFICIENCY; CFH DEFICIENCY. Identifiers: Orphanet 200421, MedGen C0398777, MONDO:0012350, OMIM 609814.

Submission:

Genomenon, Inc
Classification: Likely pathogenic for Atypical hemolytic-uremic syndrome; Factor H deficiency. Last evaluated: 2026-09-17. Review status: criteria provided, single submitter. Criteria: Genomenon Sequence Variant Interpretation Standards - Updated. Collection method: curation. Allele origin: germline. Affected: yes.
Comment: CFH p.Cys853Arg (c.2557T>C) is a missense variant that changes the amino acid at codon 853 from cysteine to arginine. This variant has been observed in at least one proband affected with a CFH-related disorder (PMID: 29858281; 23307876; 36938079; 20703214). It is absent or not present at a significant frequency in gnomAD. In silico models predict that this variant is possibly or probably damaging. In conclusion, we classify CFH p.Cys853Arg (c.2557T>C) as a likely pathogenic variant.

Literature cited by the submitters: PubMed 29858281; PubMed 23307876; PubMed 36938079; PubMed 20703214.

NM_000186.4(CFH):c.2557T>C (p.Cys853Arg)

Gene: CFH (complement factor H; plus strand). Cytogenetic location: 1q31.3.
Variant type: single nucleotide variant.
Coding change: c.2557T>C on transcript NM_000186.4 (MANE Select); coding-DNA position 2557, T replaced by C.
Protein change: p.Cys853Arg; replaces cysteine 853 with arginine.
Molecular consequence: missense variant.
Genome position (GRCh38, 1-based): chr1:196,736,967, T>C. VCF-style: chr1-196736967-T-C. GRCh37 (hg19) VCF-style: chr1-196706097-T-C.
Other names: short protein forms C853R.
Identifiers: ClinVar variation 4291488 (VCV004291488.3).
Genomic context (GRCh38, chr1:196,736,967, plus strand): 5'-GAAAAAGTATCTGTTCTTTGCCAAGAAAATTATCTAATTCAGGAAGGAGAAGAAATTACA[T>C]GCAAAGATGGAAGATGGCAGTCAATACCACTCTGTGTTGGTCAGTAGTGTATAATTTGTT-3'
Protein context (NP_000177.2, residues 843-863): YLIQEGEEIT[Cys853Arg]KDGRWQSIPL